The following is an entry in ClinVar:

NM_006918.5(SC5D):c.*5224A>G

Gene: SC5D (sterol-C5-desaturase; plus strand). Cytogenetic location: 11q24.1.
Variant type: single nucleotide variant.
Coding change: c.*5224A>G on transcript NM_006918.5 (MANE Select); 5224 bases downstream of the stop codon, A replaced by G.
Molecular consequence: 3 prime UTR variant.
Genome position (GRCh38, 1-based): chr11:121,312,736, A>G. VCF-style: chr11-121312736-A-G. GRCh37 (hg19) VCF-style: chr11-121183445-A-G.
Other names: c.*5224A>G (NM_001024956.3).
Identifiers: ClinVar variation 303112 (VCV000303112.5), dbSNP rs76249891, ClinGen allele CA10630178.
Genomic context (GRCh38, chr11:121,312,736, plus strand): 5'-GGCTGCAATGAGCTATAATTGCACTACTGCACTCCACGCTGGGTGACAGAGCAAGACCCT[A>G]TCTCTAAAAATAAAAAAGTATATATATATAAAAATATCTTCCTCTATTATAATTTAACTC-3'

ClinVar aggregate classification (germline): Benign (1 of 4 stars; one submission).

Conditions:
Lathosterolosis. Also called: SC5D DEFICIENCY; STEROL C5-DESATURASE DEFICIENCY. Identifiers: Orphanet 46059, MedGen C1846421, MONDO:0011816, OMIM 607330.

Allele frequency attached by ClinVar (database versions not stated): gnomAD 0.02937 and 0.03180; 1000 Genomes Project 0.03055; 1000 Genomes Project 30x 0.03342; TOPMed 0.03416.
gnomAD v4.1: 4,428 of 152,056 alleles (2.9%); highest among the groups gnomAD compares: African/African-American, 10%; 194 homozygotes.

Submission:

Illumina Laboratory Services, Illumina
Classification: Benign for Lathosterolosis. Last evaluated: 2018-01-13. Review status: criteria provided, single submitter. Criteria: ICSL Variant Classification Criteria 13 December 2019. Collection method: clinical testing. Allele origin: germline.
Comment: This variant was observed in the ICSL laboratory as part of a predisposition screen in an ostensibly healthy population. It had not been previously curated by ICSL or reported in the Human Gene Mutation Database (HGMD: prior to June 1st, 2018), and was therefore a candidate for classification through an automated scoring system. Utilizing variant allele frequency, disease prevalence and penetrance estimates, and inheritance mode, an automated score was calculated to assess if this variant is too frequent to cause the disease. Based on the score and internal cut-off values, a variant classified as benign is not then subjected to further curation. The score for this variant resulted in a classification of benign for this disease.